The following is an entry in ClinVar:

ClinVar aggregate classification (germline): Uncertain significance (1 of 4 stars; one submission).

Conditions:
UNC79-related disorder. Also called: UNC79-related condition.

Submission:

3billion
Classification: Uncertain significance for UNC79-related disorder. Last evaluated: 2025-10-29. Review status: criteria provided, single submitter. Criteria: ACMG Guidelines, 2015. Collection method: clinical testing. Allele origin: germline. Affected: yes.
Comment: The variant is not observed in the gnomAD v4.1.0 dataset. Predicted Consequence/Location: Stop-gained (nonsense): predicted to result in a loss or disruption of normal protein function through nonsense-mediated decay (NMD) or protein truncation. Multiple pathogenic variants are reported downstream of the variant. Therefore, this variant is classified as VUS according to the recommendation of ACMG/AMP guideline.

NM_001395159.1(UNC79):c.2239C>T (p.Arg747Ter)

Gene: UNC79 (unc-79 subunit of NALCN channel complex; plus strand). Cytogenetic location: 14q32.12.
Variant type: single nucleotide variant.
Coding change: c.2239C>T on transcript NM_001395159.1 (MANE Select); coding-DNA position 2239, C replaced by T.
Protein change: p.Arg747Ter; replaces arginine 747 with a stop codon.
Molecular consequence: nonsense.
Genome position (GRCh38, 1-based): chr14:93,577,869, C>T. VCF-style: chr14-93577869-C-T. GRCh37 (hg19) VCF-style: chr14-94044215-C-T.
Other names: c.2239C>T, p.Arg747Ter (NM_001346218.2); c.1708C>T, p.Arg570Ter (NM_020818.5); short protein forms R570*, R747*.
Identifiers: ClinVar variation 4855679 (VCV004855679.1).